The following is an entry in ClinVar:

NM_145262.4(GLYCTK):c.1036C>G (p.Gln346Glu)

Gene: GLYCTK (glycerate kinase; plus strand). Cytogenetic location: 3p21.2.
Variant type: single nucleotide variant.
Coding change: c.1036C>G on transcript NM_145262.4 (MANE Select); coding-DNA position 1036, C replaced by G.
Protein change: p.Gln346Glu; replaces glutamine 346 with glutamic acid.
Molecular consequence: missense variant. On other transcripts: 3 prime UTR variant (1), non-coding transcript variant (2).
Genome position (GRCh38, 1-based): chr3:52,292,590, C>G. VCF-style: chr3-52292590-C-G. GRCh37 (hg19) VCF-style: chr3-52326606-C-G.
Other names: c.*155C>G (NM_001144951.2); short protein forms Q346E.
Identifiers: ClinVar variation 1031660 (VCV001031660.2), dbSNP rs773672318, ClinGen allele CA2432240.

ClinVar aggregate classification (germline): Uncertain significance. Review status: criteria provided, multiple submitters, no conflicts (2 of 4 stars). 2 submissions from 2 submitters: Uncertain significance (2). Last evaluated 2025-08-23.

Conditions:
D-Glyceric aciduria. Also called: Deficiency of glycerate kinase; GLYCERATE KINASE DEFICIENCY. Identifiers: Orphanet 941, MedGen C0342765, MONDO:0009070, OMIM 220120.

Allele frequency attached by ClinVar (database versions not stated): ExAC 0.00003; gnomAD exomes 0.00003.

Submissions (2):

Ambry Genetics
Classification: Uncertain significance. Last evaluated: 2025-08-23. Review status: criteria provided, single submitter. Criteria: Ambry Variant Classification Scheme 2023. Collection method: clinical testing. Allele origin: germline.

Baylor Genetics
Classification: Uncertain significance for D-Glyceric aciduria. Last evaluated: 2018-06-29. Review status: criteria provided, single submitter. Criteria: ACMG Guidelines, 2015. Collection method: clinical testing. Allele origin: paternal. Affected: yes.
Comment: This variant was determined to be of uncertain significance according to ACMG Guidelines, 2015 [PMID:25741868].